The following is an entry in ClinVar:

NM_001297.5(CNGB1):c.1532_1535+6del

Gene: CNGB1 (cyclic nucleotide gated channel subunit beta 1; minus strand). Cytogenetic location: 16q21.
Variant type: Deletion.
Coding change: c.1532_1535+6del on transcript NM_001297.5 (MANE Select); coding-DNA position 1532 through 6 bases into the intron after coding-DNA position 1535, 10 bases deleted (ACAGGTTACC; older notation c.1532_1535+6delACAGGTTACC).
Molecular consequence: splice donor variant.
Genome position (GRCh38, 1-based): chr16:57,931,710-57,931,719, GGTAACCTGT deleted on the plus strand (ACAGGTTACC on the coding strand, the reverse complement: CNGB1 is on the minus strand); deleting any 10 consecutive bases within chr16:57,931,710-57,931,720 gives the same sequence; the c. name uses the placement nearest the transcript's 3' end. VCF-style (leftmost placement, unchanged base first): chr16-57931709-AGGTAACCTGT-A. GRCh37 (hg19) VCF-style: chr16-57965613-AGGTAACCTGT-A.
Other names: c.1514_1517+6del (NM_001286130.2).
Identifiers: ClinVar variation 962369 (VCV000962369.7), dbSNP rs1961353527, ClinGen allele CA1139664722.

ClinVar aggregate classification (germline): Likely pathogenic (1 of 4 stars; one submission).

Submission:

Labcorp Genetics (formerly Invitae), Labcorp
Classification: Likely pathogenic. Last evaluated: 2020-02-29. Review status: criteria provided, single submitter. Criteria: Invitae Variant Classification Sherloc (09022015). Collection method: clinical testing. Allele origin: germline.
Comment: This variant is a deletion of the genomic region encompassing part of exon 17 (c.1532_1535+6del) of the CNGB1 gene. It is expected to disrupt RNA splicing and likely results in an absent or disrupted protein product. In summary, the currently available evidence indicates that the variant is pathogenic, but additional data are needed to prove that conclusively. Therefore, this variant has been classified as Likely Pathogenic. Loss-of-function variants in CNGB1 are known to be pathogenic (PMID: 15557452, 24043777).

Literature cited by the submitters: PubMed 15557452; PubMed 24043777.